The following is an entry in ClinVar:

NM_198488.5(FAM83H):c.1261G>T (p.Glu421Ter)

Gene: FAM83H (family with sequence similarity 83 member H; minus strand). Cytogenetic location: 8q24.3.
Variant type: single nucleotide variant.
Coding change: c.1261G>T on transcript NM_198488.5 (MANE Select); coding-DNA position 1261, G replaced by T.
Protein change: p.Glu421Ter; replaces glutamic acid 421 with a stop codon.
Molecular consequence: nonsense.
Genome position (GRCh38, 1-based): chr8:143,728,200, C>A on the plus strand (G>T on the coding strand, the complement: FAM83H is on the minus strand). VCF-style: chr8-143728200-C-A. GRCh37 (hg19) VCF-style: chr8-144810370-C-A.
Other names: short protein forms E421*.
Identifiers: ClinVar variation 3349456 (VCV003349456.1).
Genomic context (GRCh38, chr8:143,728,200, plus strand): 5'-AGTCGTCGCCGTGGCTGAGGAACGTCTGCCGCGACACCTGCCGCGCGGCCGCGAAGTTCT[C>A]CACGGCGCCCGCGCCCTCGGTCGCGAAGCTGTGCCGCTTGAAGGCGTCCATCTCCAGGTG-3'

ClinVar aggregate classification (germline): Pathogenic (0 of 4 stars; one submission).

Conditions:
FAM83H-related disorder. Also called: FAM83H-related condition.

Submission:

PreventionGenetics, part of Exact Sciences
Classification: Pathogenic for FAM83H-related condition. Last evaluated: 2024-03-07. Review status: no assertion criteria provided. Collection method: clinical testing. Allele origin: germline.
Comment: The FAM83H c.1261G>T variant is predicted to result in premature protein termination (p.Glu421*). This variant has been reported in the affected individuals of a family with autosomal dominant hypocalcified amelogenesis imperfecta (Nowwarote et al 2018. PubMed ID: 29949226); and, functional studies support its pathogenicity (Nowwarote et al. 2019. PubMed ID: 31832519). This variant has not been reported in a large population database, indicating this variant is rare. Nonsense variants in FAM83H are expected to be pathogenic. This variant is interpreted as pathogenic.